The following is an entry in ClinVar:

ClinVar aggregate classification (germline): Uncertain significance. Review status: criteria provided, multiple submitters, no conflicts (2 of 4 stars). 2 submissions from 2 submitters: Uncertain significance (2). Last evaluated 2022-11-01.

Conditions:
Inborn genetic diseases. Identifiers: MedGen C0950123, MeSH D030342.

Submissions (2):

Labcorp Genetics (formerly Invitae), Labcorp
Classification: Uncertain significance. Last evaluated: 2022-11-01. Review status: criteria provided, single submitter. Criteria: Invitae Variant Classification Sherloc (09022015). Collection method: clinical testing. Allele origin: germline.
Comment: In summary, the available evidence is currently insufficient to determine the role of this variant in disease. Therefore, it has been classified as a Variant of Uncertain Significance. Advanced modeling of protein sequence and biophysical properties (such as structural, functional, and spatial information, amino acid conservation, physicochemical variation, residue mobility, and thermodynamic stability) performed at Invitae indicates that this missense variant is not expected to disrupt PPP2R1A protein function. This variant has not been reported in the literature in individuals affected with PPP2R1A-related conditions. This variant is not present in population databases (gnomAD no frequency). This sequence change replaces threonine, which is neutral and polar, with serine, which is neutral and polar, at codon 518 of the PPP2R1A protein (p.Thr518Ser).

Ambry Genetics
Classification: Uncertain significance for Inborn genetic diseases. Last evaluated: 2021-07-14. Review status: criteria provided, single submitter. Criteria: Ambry Variant Classification Scheme 2023. Collection method: clinical testing. Allele origin: germline.

NM_014225.6(PPP2R1A):c.1552A>T (p.Thr518Ser)

Genes: PPP2R1A (protein phosphatase 2 scaffold subunit Aalpha; plus strand), LOC126862924 (BRD4-independent group 4 enhancer GRCh37_chr19:52724813-52726012; plus strand). Cytogenetic location: 19q13.41.
Variant type: single nucleotide variant.
Coding change: c.1552A>T on transcript NM_014225.6 (MANE Select); coding-DNA position 1552, A replaced by T.
Protein change: p.Thr518Ser; replaces threonine 518 with serine.
Molecular consequence: missense variant. On other transcripts: non-coding transcript variant (1).
Genome position (GRCh38, 1-based): chr19:52,222,132, A>T. VCF-style: chr19-52222132-A-T. GRCh37 (hg19) VCF-style: chr19-52725385-A-T.
Other names: c.1015A>T, p.Thr339Ser (NM_001363656.2); short protein forms T518S, T339S.
Identifiers: ClinVar variation 2236909 (VCV002236909.5), dbSNP rs1978973172, ClinGen allele CA407154245.